The following is an entry in ClinVar:

ClinVar aggregate classification (germline): Uncertain significance (1 of 4 stars; one submission).

gnomAD v4.1: 1 of 1,614,200 alleles (0.000062%); highest among the groups gnomAD compares: South Asian, 0.0011%; no homozygotes.

Submission:

Labcorp Genetics (formerly Invitae), Labcorp
Classification: Uncertain significance. Last evaluated: 2024-08-10. Review status: criteria provided, single submitter. Criteria: Invitae Variant Classification Sherloc (09022015). Collection method: clinical testing. Allele origin: germline.
Comment: This sequence change replaces arginine, which is basic and polar, with leucine, which is neutral and non-polar, at codon 155 of the HNF4A protein (p.Arg155Leu). This variant is not present in population databases (gnomAD no frequency). This variant has not been reported in the literature in individuals affected with HNF4A-related conditions. Advanced modeling of protein sequence and biophysical properties (such as structural, functional, and spatial information, amino acid conservation, physicochemical variation, residue mobility, and thermodynamic stability) has been performed at Invitae for this missense variant, however the output from this modeling did not meet the statistical confidence thresholds required to predict the impact of this variant on HNF4A protein function. In summary, the available evidence is currently insufficient to determine the role of this variant in disease. Therefore, it has been classified as a Variant of Uncertain Significance.

NM_175914.5(HNF4A):c.464G>T (p.Arg155Leu)

Gene: HNF4A (hepatocyte nuclear factor 4 alpha; plus strand). Cytogenetic location: 20q13.12.
Variant type: single nucleotide variant.
Coding change: c.464G>T on transcript NM_175914.5 (MANE Select); coding-DNA position 464, G replaced by T.
Protein change: p.Arg155Leu; replaces arginine 155 with leucine.
Molecular consequence: missense variant.
Genome position (GRCh38, 1-based): chr20:44,414,544, G>T. VCF-style: chr20-44414544-G-T. GRCh37 (hg19) VCF-style: chr20-43043184-G-T.
Other names: c.530G>T, p.Arg177Leu (NM_000457.6, NM_178849.3, NM_178850.3); c.464G>T, p.Arg155Leu (NM_001030003.3, NM_001030004.3); c.509G>T, p.Arg170Leu (NM_001258355.2); c.455G>T, p.Arg152Leu (NM_001287182.2, NM_001287183.2, NM_001287184.2); short protein forms R155L, R170L, R152L, R177L.
Identifiers: ClinVar variation 3661910 (VCV003661910.2).